The following is an entry in ClinVar:

ClinVar aggregate classification (germline): Likely benign. Review status: criteria provided, multiple submitters, no conflicts (2 of 4 stars). 3 submissions from 3 submitters: Likely benign (3). Last evaluated 2026-05-27.

Conditions:
HPS4-related disorder. Also called: HPS4-related condition.

Allele frequency attached by ClinVar (database versions not stated): gnomAD 0.00002 and 0.00008; gnomAD exomes 0.00006 and 0.00015; TOPMed 0.00007; ExAC 0.00017; 1000 Genomes Project 30x 0.00078; 1000 Genomes Project 0.00100.
gnomAD v4.1: 102 of 1,614,250 alleles (0.0063%); highest among the groups gnomAD compares: East Asian, 0.22%; no homozygotes.

Submissions (3):

PreventionGenetics, part of Exact Sciences
Classification: Likely benign for HPS4-related condition. Last evaluated: 2026-05-27. Review status: criteria provided, single submitter. Criteria: ACMG Guidelines, 2015. Collection method: clinical testing. Allele origin: germline.
Comment: This variant is classified as likely benign based on ACMG/AMP sequence variant interpretation guidelines (Richards et al. 2015 PMID: 25741868, with internal and published modifications).

Labcorp Genetics (formerly Invitae), Labcorp
Classification: Likely benign. Last evaluated: 2026-01-14. Review status: criteria provided, single submitter. Criteria: Invitae Variant Classification Sherloc (09022015). Collection method: clinical testing. Allele origin: germline.

Women's Health and Genetics/Laboratory Corporation of America, LabCorp
Classification: Likely benign. Last evaluated: 2022-06-10. Review status: criteria provided, single submitter. Criteria: LabCorp Variant Classification Summary - May 2015. Collection method: clinical testing. Allele origin: germline.
Comment: Variant summary: HPS4 c.1640G>C (p.Cys547Ser) results in a non-conservative amino acid change in the encoded protein sequence. Four of five in-silico tools predict a benign effect of the variant on protein function. The variant allele was found at a frequency of 0.00015 in 251344 control chromosomes (gnomAD), predominantly at a frequency of 0.0021 within the East Asian subpopulation in the gnomAD database. The observed variant frequency within East Asian control individuals in the gnomAD database is approximately 4 fold of the estimated maximal expected allele frequency for a pathogenic variant in HPS4 causing Hermansky-Pudlak Syndrome (0.00052), strongly suggesting that the variant is a benign polymorphism found primarily in populations of East Asian origin. To our knowledge, no occurrence of c.1640G>C in individuals affected with Hermansky-Pudlak Syndrome and no experimental evidence demonstrating its impact on protein function have been reported. One ClinVar submitter has assessed the variant since 2014: the variant was classified as likely benign. Based on the evidence outlined above, the variant was classified as likely benign.

NM_022081.6(HPS4):c.1640G>C (p.Cys547Ser)

Gene: HPS4 (HPS4 biogenesis of lysosomal organelles complex 3 subunit 2; minus strand). Cytogenetic location: 22q12.1.
Variant type: single nucleotide variant.
Coding change: c.1640G>C on transcript NM_022081.6 (MANE Select); coding-DNA position 1640, G replaced by C.
Protein change: p.Cys547Ser; replaces cysteine 547 with serine.
Molecular consequence: missense variant. On other transcripts: non-coding transcript variant (8).
Genome position (GRCh38, 1-based): chr22:26,463,990, C>G on the plus strand (G>C on the coding strand, the complement: HPS4 is on the minus strand). VCF-style: chr22-26463990-C-G. GRCh37 (hg19) VCF-style: chr22-26859956-C-G.
Other names: c.1640G>C, p.Cys547Ser (NM_001349896.1, NM_001349898.2, NM_001349899.2 and 4 more transcripts); c.1694G>C, p.Cys565Ser (NM_001349900.2, NM_001349901.1); c.1625G>C, p.Cys542Ser (NM_152841.2); short protein forms C542S, C547S, C565S.
Identifiers: ClinVar variation 1154615 (VCV001154615.10), dbSNP rs145674158, ClinGen allele CA10163274.
Genomic context (GRCh38, chr22:26,463,990, plus strand): 5'-GCTGCGCTGTCTCCCAGCAGCGGCTCCTCAGCCAGCAGGGACAGCACCAGCCCTTTGACG[C>G]AGTGAGTGTAGAGATTCATCCTCACGAGCCCCATGCAGGACTCTGCTGGTGTCAGCCTGG-3'
Protein context (NP_071364.4, residues 537-557): GLVRMNLYTH[Cys547Ser]VKGLVLSLLA